The following is an entry in ClinVar:

ClinVar aggregate classification (germline): Uncertain significance. Review status: criteria provided, multiple submitters, no conflicts (2 of 4 stars). 2 submissions from 2 submitters: Uncertain significance (2). Last evaluated 2021-09-02.

Conditions:
Cardiovascular phenotype. Identifiers: MedGen CN230736.
Long QT syndrome (LQTS). Identifiers: MedGen C0023976, MeSH D008133, MONDO:0002442. Disease mechanism: loss of function. Inheritance: Various modes of inheritance.

gnomAD v4.1: 17 of 1,607,942 alleles (0.0011%); highest among the groups gnomAD compares: African/African-American, 0.004%; no homozygotes.

Submissions (2):

Labcorp Genetics (formerly Invitae), Labcorp
Classification: Uncertain significance for Long QT syndrome. Last evaluated: 2021-09-02. Review status: criteria provided, single submitter. Criteria: Invitae Variant Classification Sherloc (09022015). Collection method: clinical testing. Allele origin: germline.

Ambry Genetics
Classification: Uncertain significance for Cardiovascular phenotype. Last evaluated: 2020-10-13. Review status: criteria provided, single submitter. Criteria: Ambry Variant Classification Scheme 2023. Collection method: clinical testing. Allele origin: germline.
Comment: The p.N132D variant (also known as c.394A>G), located in coding exon 4 of the AKAP9 gene, results from an A to G substitution at nucleotide position 394. The asparagine at codon 132 is replaced by aspartic acid, an amino acid with highly similar properties. This amino acid position is not well conserved in available vertebrate species, and aspartic acid is the reference amino acid in other vertebrate species. In addition, this alteration is predicted to be tolerated by in silico analysis. Since supporting evidence is limited at this time, the clinical significance of this alteration remains unclear.

NM_005751.5(AKAP9):c.394A>G (p.Asn132Asp)

Gene: AKAP9 (A-kinase anchoring protein 9; plus strand). Cytogenetic location: 7q21.2.
Variant type: single nucleotide variant.
Coding change: c.394A>G on transcript NM_005751.5 (MANE Select); coding-DNA position 394, A replaced by G.
Protein change: p.Asn132Asp; replaces asparagine 132 with aspartic acid.
Molecular consequence: missense variant.
Genome position (GRCh38, 1-based): chr7:91,992,200, A>G. VCF-style: chr7-91992200-A-G. GRCh37 (hg19) VCF-style: chr7-91621514-A-G.
Other names: c.394A>G, p.Asn132Asp (NM_147185.3); short protein forms N132D.
Identifiers: ClinVar variation 578497 (VCV000578497.6), dbSNP rs755049262, ClinGen allele CA4335796.